The following is an entry in ClinVar:

ClinVar aggregate classification (germline): Uncertain significance (1 of 4 stars; one submission).

Conditions:
Inborn genetic diseases. Identifiers: MedGen C0950123, MeSH D030342.

Submission:

Ambry Genetics
Classification: Uncertain significance for Inborn genetic diseases. Last evaluated: 2022-10-08. Review status: criteria provided, single submitter. Criteria: Ambry Variant Classification Scheme 2023. Collection method: clinical testing. Allele origin: germline.
Comment: The p.G452R variant (also known as c.1354G>A), located in coding exon 10 of the EPAS1 gene, results from a G to A substitution at nucleotide position 1354. The glycine at codon 452 is replaced by arginine, an amino acid with dissimilar properties. This amino acid position is conserved. In addition, this alteration is predicted to be tolerated by in silico analysis. Since supporting evidence is limited at this time, the clinical significance of this alteration remains unclear.

NM_001430.5(EPAS1):c.1354G>A (p.Gly452Arg)

Gene: EPAS1 (endothelial PAS domain protein 1; plus strand). Cytogenetic location: 2p21.
Variant type: single nucleotide variant.
Coding change: c.1354G>A on transcript NM_001430.5 (MANE Select); coding-DNA position 1354, G replaced by A.
Protein change: p.Gly452Arg; replaces glycine 452 with arginine.
Molecular consequence: missense variant.
Genome position (GRCh38, 1-based): chr2:46,377,998, G>A. VCF-style: chr2-46377998-G-A. GRCh37 (hg19) VCF-style: chr2-46605137-G-A.
Other names: short protein forms G452R.
Identifiers: ClinVar variation 1770669 (VCV001770669.2), dbSNP rs2103667442, ClinGen allele CA346703906.